The following is an entry in ClinVar:

NM_005883.3(APC2):c.6467A>G (p.His2156Arg)

Gene: APC2 (APC regulator of WNT signaling pathway 2; plus strand). Cytogenetic location: 19p13.3.
Variant type: single nucleotide variant.
Coding change: c.6467A>G on transcript NM_005883.3 (MANE Select); coding-DNA position 6467, A replaced by G.
Protein change: p.His2156Arg; replaces histidine 2156 with arginine.
Molecular consequence: missense variant.
Genome position (GRCh38, 1-based): chr19:1,469,768, A>G. VCF-style: chr19-1469768-A-G. GRCh37 (hg19) VCF-style: chr19-1469767-A-G.
Other names: c.6464A>G, p.His2155Arg (NM_001351273.1); short protein forms H2155R, H2156R.
Identifiers: ClinVar variation 2428837 (VCV002428837.3), dbSNP rs1335434290, ClinGen allele CA403043970.
Genomic context (GRCh38, chr19:1,469,768, plus strand): 5'-TCCCCAGGGTGGCCGCGCCGGGCACGACCTGGCGGCGCATCCGAGATGAGGACGTGCCCC[A>G]CATCCTGCGCAGCACGCTTCCCGCCACGGCCCTGCCACTGCGGGGCTCCACGCCCGAGGA-3'
Protein context (NP_005874.1, residues 2146-2166): WRRIRDEDVP[His2156Arg]ILRSTLPATA

ClinVar aggregate classification (germline): Uncertain significance (1 of 4 stars; one submission).

Allele frequency attached by ClinVar (database versions not stated): gnomAD exomes below 0.00001; gnomAD 0.00001; TOPMed 0.00005.
gnomAD v4.1: 3 of 1,500,576 alleles (0.0002%); highest among the groups gnomAD compares: Admixed American, 0.0021%; no homozygotes.

Submission:

GeneDx
Classification: Uncertain significance. Last evaluated: 2022-08-05. Review status: criteria provided, single submitter. Criteria: GeneDx Variant Classification Process June 2021. Collection method: clinical testing. Allele origin: germline. Affected: yes.
Comment: Not observed at significant frequency in large population cohorts (gnomAD); In silico analysis supports that this missense variant has a deleterious effect on protein structure/function; Has not been previously published as pathogenic or benign to our knowledge